The following is an entry in ClinVar:

NM_000535.7(PMS2):c.2558T>A (p.Ile853Asn)

Gene: PMS2 (PMS1 homolog 2, mismatch repair system component; minus strand). Cytogenetic location: 7p22.1.
Variant type: single nucleotide variant.
Coding change: c.2558T>A on transcript NM_000535.7 (MANE Select); coding-DNA position 2558, T replaced by A.
Protein change: p.Ile853Asn; replaces isoleucine 853 with asparagine.
Molecular consequence: missense variant. On other transcripts: non-coding transcript variant (1).
Genome position (GRCh38, 1-based): chr7:5,973,430, A>T on the plus strand (T>A on the coding strand, the complement: PMS2 is on the minus strand). VCF-style: chr7-5973430-A-T. GRCh37 (hg19) VCF-style: chr7-6013061-A-T.
Other names: c.2153T>A, p.Ile718Asn (NM_001322003.2, NM_001322004.2, NM_001322005.2 and 11 more transcripts); c.2402T>A, p.Ile801Asn (NM_001322006.2); c.2240T>A, p.Ile747Asn (NM_001322007.2, NM_001322008.2, NM_001406883.1); c.2186T>A, p.Ile729Asn (NM_001322009.2, NM_001406887.1, NM_001406888.1); c.1997T>A, p.Ile666Asn (NM_001322010.2, NM_001406906.1, NM_001406907.1); c.1625T>A, p.Ile542Asn (NM_001322011.2, NM_001322012.2); c.1985T>A, p.Ile662Asn (NM_001322013.2, NM_001406908.1, NM_001406909.1); c.2591T>A, p.Ile864Asn (NM_001322014.2); and 20 more; short protein forms I542N, I691N, I729N, I787N, I864N, I452N, I596N, I662N.
Identifiers: ClinVar variation 3891000 (VCV003891000.1).

ClinVar aggregate classification (germline): Uncertain significance (1 of 4 stars; one submission).

Conditions:
Hereditary cancer-predisposing syndrome. Also called: Tumor predisposition; Neoplastic Syndromes, Hereditary; Hereditary Cancer Syndrome; Hereditary neoplastic syndrome. Identifiers: Orphanet 140162, MedGen C0027672, MeSH D009386, MONDO:0015356.

Submission:

Ambry Genetics
Classification: Uncertain significance for Hereditary cancer-predisposing syndrome. Last evaluated: 2025-02-02. Review status: criteria provided, single submitter. Criteria: Ambry Variant Classification Scheme 2023. Collection method: clinical testing. Allele origin: germline.
Comment: The p.I853N variant (also known as c.2558T>A), located in coding exon 15 of the PMS2 gene, results from a T to A substitution at nucleotide position 2558. The isoleucine at codon 853 is replaced by asparagine, an amino acid with dissimilar properties. This amino acid position is conserved. In addition, the in silico prediction for this alteration is inconclusive. Based on the available evidence, the clinical significance of this variant remains unclear.